The following is an entry in ClinVar:

ClinVar aggregate classification (germline): Pathogenic. Review status: criteria provided, single submitter (1 of 4 stars). 2 submissions from 2 submitters: Pathogenic (1). 1 of the submissions does not count toward it. Last evaluated 2023-09-08.

Conditions:
Autosomal recessive nonsyndromic hearing loss 3. Also called: NEUROSENSORY NONSYNDROMIC RECESSIVE DEAFNESS 3. Identifiers: Orphanet 90636, MedGen C1838263, MONDO:0010860, OMIM 600316.

Submissions (2):

Labcorp Genetics (formerly Invitae), Labcorp
Classification: Pathogenic. Last evaluated: 2023-09-08. Review status: criteria provided, single submitter. Criteria: Invitae Variant Classification Sherloc (09022015). Collection method: clinical testing. Allele origin: germline.
Comment: For these reasons, this variant has been classified as Pathogenic. This variant has not been reported in the literature in individuals affected with MYO15A-related conditions. This variant is not present in population databases (gnomAD no frequency). This sequence change creates a premature translational stop signal (p.Cys2184Serfs*34) in the MYO15A gene. It is expected to result in an absent or disrupted protein product. Loss-of-function variants in MYO15A are known to be pathogenic (PMID: 17546645).

Deafness Molecular Diagnostic Center, Chinese PLA General Hospital
Classification: Likely pathogenic for Autosomal recessive nonsyndromic hearing loss 3. Review status: no assertion criteria provided. Criteria: ACMG Guidelines, 2015. Collection method: case-control. Allele origin: maternal. Affected: yes. Not counted in ClinVar's aggregate classification.

Literature cited by the submitters: PubMed 17546645 (cited by Labcorp Genetics (formerly Invitae), Labcorp).

NM_016239.4(MYO15A):c.6551_6552del (p.Cys2184fs)

Gene: MYO15A (myosin XVA; plus strand). Cytogenetic location: 17p11.2.
Variant type: Microsatellite.
Coding change: c.6551_6552del on transcript NM_016239.4 (MANE Select); coding-DNA positions 6551 to 6552, 2 bases deleted (GT; older notation c.6551_6552delGT).
Protein change: p.Cys2184fs; shifts the reading frame from cysteine 2184.
Molecular consequence: frameshift variant.
Genome position (GRCh38, 1-based): chr17:18,148,070-18,148,071, GT deleted; deleting any 2 consecutive bases within chr17:18,148,065-18,148,071 gives the same sequence; the c. name uses the placement nearest the transcript's 3' end. VCF-style (leftmost placement, unchanged base first): chr17-18148064-CTG-C. GRCh37 (hg19) VCF-style: chr17-18051378-CTG-C.
Other names: short protein forms C2184fs.
Identifiers: ClinVar variation 1185606 (VCV001185606.4), dbSNP rs2142360575, ClinGen allele CA2576190467.